The following is an entry in ClinVar:

ClinVar aggregate classification (germline): Uncertain significance (1 of 4 stars; one submission).

gnomAD v4.1: 5 of 1,613,200 alleles (0.00031%); highest among the groups gnomAD compares: Admixed American, 0.0083%; no homozygotes.

Submission:

Labcorp Genetics (formerly Invitae), Labcorp
Classification: Uncertain significance. Last evaluated: 2024-07-19. Review status: criteria provided, single submitter. Criteria: Invitae Variant Classification Sherloc (09022015). Collection method: clinical testing. Allele origin: germline.
Comment: This sequence change replaces glutamic acid, which is acidic and polar, with aspartic acid, which is acidic and polar, at codon 254 of the P2RX2 protein (p.Glu254Asp). This variant is present in population databases (rs144300117, gnomAD 0.01%). This variant has not been reported in the literature in individuals affected with P2RX2-related conditions. Advanced modeling of protein sequence and biophysical properties (such as structural, functional, and spatial information, amino acid conservation, physicochemical variation, residue mobility, and thermodynamic stability) performed at Invitae indicates that this missense variant is not expected to disrupt P2RX2 protein function with a negative predictive value of 80%. In summary, the available evidence is currently insufficient to determine the role of this variant in disease. Therefore, it has been classified as a Variant of Uncertain Significance.

NM_170682.4(P2RX2):c.762G>C (p.Glu254Asp)

Gene: P2RX2 (purinergic receptor P2X 2; plus strand). Cytogenetic location: 12q24.33.
Variant type: single nucleotide variant.
Coding change: c.762G>C on transcript NM_170682.4 (MANE Select); coding-DNA position 762, G replaced by C.
Protein change: p.Glu254Asp; replaces glutamic acid 254 with aspartic acid.
Molecular consequence: missense variant.
Genome position (GRCh38, 1-based): chr12:132,620,571, G>C. VCF-style: chr12-132620571-G-C. GRCh37 (hg19) VCF-style: chr12-133197157-G-C.
Other names: c.655G>C, p.Ala219Pro (NM_001282164.2); c.762G>C, p.Glu254Asp (NM_001282165.2, NM_170683.4, NM_174873.3); c.546G>C, p.Glu182Asp (NM_012226.5); c.690G>C, p.Glu230Asp (NM_016318.4); c.486G>C, p.Glu162Asp (NM_174872.3); short protein forms A219P, E162D, E182D, E230D, E254D.
Identifiers: ClinVar variation 3626497 (VCV003626497.2).